The following is an entry in ClinVar:

NM_000478.6(ALPL):c.1217A>G (p.Asp406Gly)

Gene: ALPL (alkaline phosphatase, biomineralization associated; plus strand). Cytogenetic location: 1p36.12.
Variant type: single nucleotide variant.
Coding change: c.1217A>G on transcript NM_000478.6 (MANE Select); coding-DNA position 1217, A replaced by G.
Protein change: p.Asp406Gly; replaces aspartic acid 406 with glycine.
Molecular consequence: missense variant.
Genome position (GRCh38, 1-based): chr1:21,576,549, A>G. VCF-style: chr1-21576549-A-G. GRCh37 (hg19) VCF-style: chr1-21903042-A-G.
Other names: c.1052A>G, p.Asp351Gly (NM_001127501.4); c.986A>G, p.Asp329Gly (NM_001177520.3); c.1217A>G, p.Asp406Gly (NM_001369803.2, NM_001369804.2, NM_001369805.2); short protein forms D351G, D406G, D329G.
Identifiers: ClinVar variation 2733852 (VCV002733852.4), dbSNP rs2545347197, ClinGen allele CA338881708.
Genomic context (GRCh38, chr1:21,576,549, plus strand): 5'-AGCATGACCCCTGAACACCCCCTCCCTGTGCAGGTCTGGCCCCCATGCTGAGTGACACAG[A>G]CAAGAAGCCCTTCACTGCCATCCTGTATGGCAATGGGCCTGGCTACAAGGTGGTGGGCGG-3'
Protein context (NP_000469.3, residues 396-416): FGLAPMLSDT[Asp406Gly]KKPFTAILYG

ClinVar aggregate classification (germline): Likely pathogenic. Review status: criteria provided, multiple submitters, no conflicts (2 of 4 stars). 2 submissions from 2 submitters: Likely pathogenic (2). Last evaluated 2025-08-29.

Conditions:
Hypophosphatasia. Also called: Phosphoethanol-aminuria. Identifiers: Orphanet 436, MedGen C0020630, MeSH D007014, MONDO:0018570.

Submissions (2):

Genomenon, Inc
Classification: Likely pathogenic for Hypophosphatasia. Last evaluated: 2025-08-29. Review status: criteria provided, single submitter. Criteria: Genomenon Sequence Variant Interpretation Standards. Collection method: curation. Allele origin: germline. Affected: yes.
Comment: ALPL c.1217A>G is a missense variant that changes the amino acid at residue 406 from Aspartic acid to Glycine. This variant has been observed in at least one proband affected with hypophosphatasia (PMID:10679946). At least one functional study has demonstrated a substantial alteration in protein function relative to the wild-type (PMID:10679946). It is absent or not present at a significant frequency in gnomAD. In silico models agree that this variant is possibly or probably damaging. In conclusion, we classify ALPL p.Asp406Gly (c.1217A>G) as a likely pathogenic variant.

Labcorp Genetics (formerly Invitae), Labcorp
Classification: Likely pathogenic. Last evaluated: 2023-04-18. Review status: criteria provided, single submitter. Criteria: Invitae Variant Classification Sherloc (09022015). Collection method: clinical testing. Allele origin: germline.
Comment: This variant is also known as p.Asp389Gly. Advanced modeling of protein sequence and biophysical properties (such as structural, functional, and spatial information, amino acid conservation, physicochemical variation, residue mobility, and thermodynamic stability) performed at Invitae indicates that this missense variant is expected to disrupt ALPL protein function. In summary, the currently available evidence indicates that the variant is pathogenic, but additional data are needed to prove that conclusively. Therefore, this variant has been classified as Likely Pathogenic. This missense change has been observed in individual(s) with clinical features of hypophosphatasia (PMID: 10679946; Invitae). This variant is not present in population databases (gnomAD no frequency). This sequence change replaces aspartic acid, which is acidic and polar, with glycine, which is neutral and non-polar, at codon 406 of the ALPL protein (p.Asp406Gly).

Literature cited by the submitters: PubMed 10679946 (cited by Genomenon, Inc and Labcorp Genetics (formerly Invitae), Labcorp).